The following is an entry in ClinVar:

NM_003151.4(STAT4):c.129-3dup

Gene: STAT4 (signal transducer and activator of transcription 4; minus strand). Cytogenetic location: 2q32.3.
Variant type: Duplication.
Coding change: c.129-3dup on transcript NM_003151.4 (MANE Select); 3 bases into the intron before coding-DNA position 129, one base duplicated (T; older notation c.129-3dupT).
Molecular consequence: intron variant.
Genome position (GRCh38, 1-based): chr2:191,146,760, A duplicated on the plus strand (T on the coding strand, the reverse complement: STAT4 is on the minus strand); the first of 11 consecutive A bases (chr2:191,146,760-191,146,770); duplicating any one gives the same sequence. VCF-style (leftmost placement, unchanged base first): chr2-191146759-T-TA. GRCh37 (hg19) VCF-style: chr2-192011485-T-TA.
Other names: c.129-3dup (NM_001243835.2).
Identifiers: ClinVar variation 3060199 (VCV003060199.5), dbSNP rs754067021, ClinGen allele CA2030979.
Genomic context (GRCh38, chr2:191,146,759, plus strand): 5'-GTATTAACAAGTTTTGAAGAAGAATCGTTGCCATGGTTTCATTGTTAGAAGCTGCCTCCC[T>TA]AAAAAAAAAAAGGATTATTACACAACAGAAAACAACTTTGTAAAATGTCTACTTTTTTAC-3'

ClinVar aggregate classification (germline): Benign/Likely benign. Review status: criteria provided, multiple submitters, no conflicts (2 of 4 stars). 3 submissions from 3 submitters: Benign (1); Likely benign (1). 1 of the submissions does not count toward it. Last evaluated 2025-07-29.

Conditions:
STAT4-related disorder. Also called: STAT4-related condition.

Submissions (3):

Labcorp Genetics (formerly Invitae), Labcorp
Classification: Benign. Last evaluated: 2025-07-29. Review status: criteria provided, single submitter. Criteria: Invitae Variant Classification Sherloc (09022015). Collection method: clinical testing. Allele origin: germline.

Blueprint Genetics
Classification: Likely benign. Last evaluated: 2024-11-26. Review status: criteria provided, single submitter. Criteria: ACMG Guidelines, 2015. Collection method: clinical testing. Allele origin: germline.

PreventionGenetics, part of Exact Sciences
Classification: Benign for STAT4-related condition. Last evaluated: 2021-04-12. Review status: no assertion criteria provided. Collection method: clinical testing. Allele origin: germline. Not counted in ClinVar's aggregate classification.
Comment: This variant is classified as benign based on ACMG/AMP sequence variant interpretation guidelines (Richards et al. 2015 PMID: 25741868, with internal and published modifications).